The following is an entry in ClinVar:

NM_000321.3(RB1):c.1175C>G (p.Ala392Gly)

Gene: RB1 (RB transcriptional corepressor 1; plus strand). Cytogenetic location: 13q14.2.
Variant type: single nucleotide variant.
Coding change: c.1175C>G on transcript NM_000321.3 (MANE Select); coding-DNA position 1175, C replaced by G.
Protein change: p.Ala392Gly; replaces alanine 392 with glycine.
Molecular consequence: missense variant.
Genome position (GRCh38, 1-based): chr13:48,373,452, C>G. VCF-style: chr13-48373452-C-G. GRCh37 (hg19) VCF-style: chr13-48947588-C-G.
Other names: c.1175C>G, p.Ala392Gly (NM_001407165.1, NM_001407166.1); short protein forms A392G.
Identifiers: ClinVar variation 2698832 (VCV002698832.3), dbSNP rs1952784415, ClinGen allele CA388161546.

ClinVar aggregate classification (germline): Uncertain significance (1 of 4 stars; one submission).

Conditions:
Retinoblastoma (RB1). Also called: RETINOBLASTOMA, SOMATIC. Identifiers: Orphanet 790, MedGen C0035335, MeSH D012175, MONDO:0008380, OMIM 180200, HP:0009919. Disease mechanism: loss of function. Inheritance: Both sporadic and heritable forms are tested..

Submission:

Labcorp Genetics (formerly Invitae), Labcorp
Classification: Uncertain significance for Retinoblastoma. Last evaluated: 2023-11-25. Review status: criteria provided, single submitter. Criteria: Invitae Variant Classification Sherloc (09022015). Collection method: clinical testing. Allele origin: germline.
Comment: This sequence change replaces alanine, which is neutral and non-polar, with glycine, which is neutral and non-polar, at codon 392 of the RB1 protein (p.Ala392Gly). This variant is not present in population databases (gnomAD no frequency). This variant has not been reported in the literature in individuals affected with RB1-related conditions. Advanced modeling of protein sequence and biophysical properties (such as structural, functional, and spatial information, amino acid conservation, physicochemical variation, residue mobility, and thermodynamic stability) has been performed at Invitae for this missense variant, however the output from this modeling did not meet the statistical confidence thresholds required to predict the impact of this variant on RB1 protein function. In summary, the available evidence is currently insufficient to determine the role of this variant in disease. Therefore, it has been classified as a Variant of Uncertain Significance.